The following is an entry in ClinVar:

NM_003477.3(PDHX):c.449C>T (p.Pro150Leu)

Gene: PDHX (pyruvate dehydrogenase complex component X; plus strand). Cytogenetic location: 11p13.
Variant type: single nucleotide variant.
Coding change: c.449C>T on transcript NM_003477.3 (MANE Select); coding-DNA position 449, C replaced by T.
Protein change: p.Pro150Leu; replaces proline 150 with leucine.
Molecular consequence: missense variant. On other transcripts: intron variant (1).
Genome position (GRCh38, 1-based): chr11:34,957,490, C>T. VCF-style: chr11-34957490-C-T. GRCh37 (hg19) VCF-style: chr11-34979037-C-T.
Other names: p.Pro150Leu; c.269C>T, p.Pro90Leu (NM_001135024.2); c.342+9884C>T (NM_001166158.2); short protein forms P150L, P90L.
Identifiers: ClinVar variation 3380016 (VCV003380016.1).
Genomic context (GRCh38, chr11:34,957,490, plus strand): 5'-TGATAGTAGAAGAAGGAGAAGATTGGAAACATGTTGAAATTCCCAAAGACGTAGGTCCTC[C>T]ACCACCAGTTTCAAAACCTTCAGAGCCTCGCCCCTCACCAGAACCACAGATTTCCATCCC-3'
Protein context (NP_003468.2, residues 140-160): HVEIPKDVGP[Pro150Leu]PPVSKPSEPR

ClinVar aggregate classification (germline): Uncertain significance (1 of 4 stars; one submission).

gnomAD v4.1: 1 of 1,613,742 alleles (0.000062%); highest among the groups gnomAD compares: African/African-American, 0.0013%; no homozygotes.

Submission:

Mayo Clinic Laboratories, Mayo Clinic
Classification: Uncertain significance. Last evaluated: 2023-11-17. Review status: criteria provided, single submitter. Criteria: ACMG Guidelines, 2015. Collection method: clinical testing. Allele origin: germline. Observed: 1 variant allele.
Comment: BP4